The following is an entry in ClinVar:

ClinVar aggregate classification (germline): Uncertain significance. Review status: criteria provided, multiple submitters, no conflicts (2 of 4 stars). 2 submissions from 2 submitters: Uncertain significance (2). Last evaluated 2026-04-22.

Conditions:
NTRK2-related disorder. Also called: NTRK2-related condition.

gnomAD v4.1: 3 of 1,614,258 alleles (0.00019%); highest among the groups gnomAD compares: Non-Finnish European, 0.00025%; no homozygotes.

Submissions (2):

PreventionGenetics, part of Exact Sciences
Classification: Uncertain significance for NTRK2-related condition. Last evaluated: 2026-04-22. Review status: criteria provided, single submitter. Criteria: ACMG Guidelines, 2015. Collection method: clinical testing. Allele origin: germline.
Comment: The NTRK2 c.2101G>A variant is predicted to result in the amino acid substitution p.Gly701Arg. To our knowledge, this variant has not been reported in the literature or in a large population database (gnomAD), indicating this variant is rare. At this time, the clinical significance of this variant is uncertain due to the absence of conclusive functional and genetic evidence.

Labcorp Genetics (formerly Invitae), Labcorp
Classification: Uncertain significance. Last evaluated: 2024-10-16. Review status: criteria provided, single submitter. Criteria: Invitae Variant Classification Sherloc (09022015). Collection method: clinical testing. Allele origin: germline.
Comment: This sequence change replaces glycine, which is neutral and non-polar, with arginine, which is basic and polar, at codon 701 of the NTRK2 protein (p.Gly701Arg). This variant is not present in population databases (gnomAD no frequency). This variant has not been reported in the literature in individuals affected with NTRK2-related conditions. Invitae Evidence Modeling of protein sequence and biophysical properties (such as structural, functional, and spatial information, amino acid conservation, physicochemical variation, residue mobility, and thermodynamic stability) has been performed for this missense variant. However, the output from this modeling did not meet the statistical confidence thresholds required to predict the impact of this variant on NTRK2 protein function. In summary, the available evidence is currently insufficient to determine the role of this variant in disease. Therefore, it has been classified as a Variant of Uncertain Significance.

NM_006180.6(NTRK2):c.2101G>A (p.Gly701Arg)

Gene: NTRK2 (neurotrophic receptor tyrosine kinase 2; plus strand). Cytogenetic location: 9q21.33.
Variant type: single nucleotide variant.
Coding change: c.2101G>A on transcript NM_006180.6 (MANE Select); coding-DNA position 2101, G replaced by A.
Protein change: p.Gly701Arg; replaces glycine 701 with arginine.
Molecular consequence: missense variant.
Genome position (GRCh38, 1-based): chr9:84,955,446, G>A. VCF-style: chr9-84955446-G-A. GRCh37 (hg19) VCF-style: chr9-87570361-G-A.
Other names: c.2053G>A, p.Gly685Arg (NM_001018064.3, NM_001369532.1, NM_001369533.1); c.2017G>A, p.Gly673Arg (NM_001369534.1); c.1585G>A, p.Gly529Arg (NM_001369535.1); c.1633G>A, p.Gly545Arg (NM_001369536.1); c.2101G>A (NM_006180.4); short protein forms G529R, G545R, G673R, G685R, G701R.
Identifiers: ClinVar variation 3680348 (VCV003680348.3).